The following is an entry in ClinVar:

ClinVar aggregate classification (germline): Likely pathogenic (1 of 4 stars; one submission).

Conditions:
Ehlers-Danlos syndrome, classic type, 1 (EDSCL1). Also called: EHLERS-DANLOS SYNDROME, GRAVIS TYPE; EHLERS-DANLOS SYNDROME, SEVERE CLASSIC TYPE; Ehlers-Danlos syndrome, type 1; EDS I; Ehlers-Danlos Syndrome, Classic Type, COL5A1-Related. Identifiers: MedGen C0268335, MONDO:0019567, OMIM 130000.
Osteogenesis imperfecta type I (OI1). Also called: OI, TYPE I; OSTEOGENESIS IMPERFECTA TARDA; OSTEOGENESIS IMPERFECTA WITH BLUE SCLERAE; Osteogenesis imperfecta type 1; Lobstein's Disease; Lobstein disease. Identifiers: Orphanet 216796, Orphanet 666, MedGen C0023931, MONDO:0008146, OMIM 166200. Disease mechanism: loss of function.

Submission:

Labcorp Genetics (formerly Invitae), Labcorp
Classification: Likely pathogenic for Osteogenesis imperfecta type I; Ehlers-Danlos syndrome, classic type, 1. Last evaluated: 2022-06-16. Review status: criteria provided, single submitter. Criteria: Invitae Variant Classification Sherloc (09022015). Collection method: clinical testing. Allele origin: germline.
Comment: In summary, the currently available evidence indicates that the variant is pathogenic, but additional data are needed to prove that conclusively. Therefore, this variant has been classified as Likely Pathogenic. This variant disrupts the triple helix domain of COL1A2. Glycine residues within the Gly-Xaa-Yaa repeats of the triple helix domain are required for the structure and stability of fibrillar collagens (PMID: 7695699, 8218237, 19344236). In COL1A2, variants affecting these glycine residues are significantly enriched in individuals with disease (PMID: 9016532, 17078022) compared to the general population (ExAC). Algorithms developed to predict the effect of missense changes on protein structure and function are either unavailable or do not agree on the potential impact of this missense change (SIFT: "Deleterious"; PolyPhen-2: "Not Available"; Align-GVGD: "Class C55"). This variant has not been reported in the literature in individuals affected with COL1A2-related conditions. This variant is not present in population databases (gnomAD no frequency). This sequence change replaces glycine, which is neutral and non-polar, with serine, which is neutral and polar, at codon 94 of the COL1A2 protein (p.Gly94Ser).

Literature cited by the submitters: PubMed 7695699; PubMed 8218237; PubMed 19344236; PubMed 9016532; PubMed 17078022.

NM_000089.4(COL1A2):c.280G>A (p.Gly94Ser)

Gene: COL1A2 (collagen type I alpha 2 chain; plus strand). Cytogenetic location: 7q21.3.
Variant type: single nucleotide variant.
Coding change: c.280G>A on transcript NM_000089.4 (MANE Select); coding-DNA position 280, G replaced by A.
Protein change: p.Gly94Ser; replaces glycine 94 with serine.
Molecular consequence: missense variant.
Genome position (GRCh38, 1-based): chr7:94,404,556, G>A. VCF-style: chr7-94404556-G-A. GRCh37 (hg19) VCF-style: chr7-94033868-G-A.
Other names: short protein forms G94S.
Identifiers: ClinVar variation 2007447 (VCV002007447.4), dbSNP rs2484699591, ClinGen allele CA368219421.
Genomic context (GRCh38, chr7:94,404,556, plus strand): 5'-CCAGCCAACACCATGACAACTTATCAGTGCTAACTGTTGATATATCTGCTTTCTTTACAG[G>A]GCTTAATGGGACCTAGAGGCCCACCTGGTGCAGCTGGAGCCCCAGTAAGTACTGAAAGCT-3'
Protein context (NP_000080.2, residues 84-104): KGVGLGPGPM[Gly94Ser]LMGPRGPPGA